The following is an entry in ClinVar:

ClinVar aggregate classification (germline): Pathogenic (1 of 4 stars; one submission).

Submission:

Labcorp Genetics (formerly Invitae), Labcorp
Classification: Pathogenic. Last evaluated: 2025-06-23. Review status: criteria provided, single submitter. Criteria: Invitae Variant Classification Sherloc (09022015). Collection method: clinical testing. Allele origin: germline.
Comment: This sequence change creates a premature translational stop signal (p.Pro954Hisfs*3) in the TRPM1 gene. It is expected to result in an absent or disrupted protein product. Loss-of-function variants in TRPM1 are known to be pathogenic (PMID: 19896113, 19966281, 20300565). This variant is present in population databases (no rsID available, gnomAD 0.003%). This variant has not been reported in the literature in individuals affected with TRPM1-related conditions. ClinVar contains an entry for this variant (Variation ID: 1451202). Algorithms developed to predict the effect of sequence changes on RNA splicing suggest that this variant may disrupt the consensus splice site. For these reasons, this variant has been classified as Pathogenic.

Literature cited by the submitters: PubMed 19896113; PubMed 19966281; PubMed 20300565.

NM_001252024.2(TRPM1):c.2925del (p.Pro976fs)

Genes: TRPM1 (transient receptor potential cation channel subfamily M member 1; minus strand), TRPM1-AS1 (TRPM1 antisense RNA 1; plus strand). Cytogenetic location: 15q13.3.
Variant type: Deletion.
Coding change: c.2925del on transcript NM_001252024.2 (MANE Select); coding-DNA position 2925, one base deleted (G; older notation c.2925delG).
Protein change: p.Pro976fs; shifts the reading frame from proline 976.
Molecular consequence: frameshift variant.
Genome position (GRCh38, 1-based): chr15:31,032,716, C deleted on the plus strand (G on the coding strand, the reverse complement: TRPM1 is on the minus strand); the first of 4 consecutive C bases (chr15:31,032,716-31,032,719); deleting any one gives the same sequence. VCF-style (leftmost placement, unchanged base first): chr15-31032715-GC-G. GRCh37 (hg19) VCF-style: chr15-31324918-GC-G.
Other names: c.2976del, p.Pro993fs (NM_001252020.2); c.2859del, p.Pro954fs (NM_002420.6); short protein forms P993fs, P954fs, P976fs.
Identifiers: ClinVar variation 1451202 (VCV001451202.6), dbSNP rs1183501213, ClinGen allele CA617553032.
Genomic context (GRCh38, chr15:31,032,715, plus strand): 5'-TCTCTCTGGATACCCACAGGATGCCACTACTAACCATCTTTCCAATCATCATCACGTATG[GC>G]CCCAGATACTTGTTGACACCAAAGATGTCCAGGACACGGATGTACCAGAAGATGATATCC-3'